The following is an entry in ClinVar:

ClinVar aggregate classification (germline): Uncertain significance. Review status: criteria provided, multiple submitters, no conflicts (2 of 4 stars). 3 submissions from 3 submitters: Uncertain significance (2). 1 of the submissions does not count toward it. Last evaluated 2022-05-12.

Conditions:
Dyskeratosis congenita. Identifiers: Orphanet 1775, MedGen C0265965, MONDO:0015780.

Submissions (3):

Mayo Clinic Laboratories, Mayo Clinic
Classification: Uncertain significance. Last evaluated: 2022-05-12. Review status: criteria provided, single submitter. Criteria: ACMG Guidelines, 2015. Collection method: clinical testing. Allele origin: germline. Observed: 1 variant allele.
Comment: BP4, PM2_supporting

Labcorp Genetics (formerly Invitae), Labcorp
Classification: Uncertain significance for Dyskeratosis congenita. Last evaluated: 2021-10-23. Review status: criteria provided, single submitter. Criteria: Invitae Variant Classification Sherloc (09022015). Collection method: clinical testing. Allele origin: germline.
Comment: In summary, the available evidence is currently insufficient to determine the role of this variant in disease. Therefore, it has been classified as a Variant of Uncertain Significance. Algorithms developed to predict the effect of missense changes on protein structure and function are either unavailable or do not agree on the potential impact of this missense change (SIFT: "Deleterious"; PolyPhen-2: "Possibly Damaging"; Align-GVGD: "Class C0"). This variant has not been reported in the literature in individuals affected with TINF2-related conditions. This variant is not present in population databases (ExAC no frequency). This sequence change replaces proline with threonine at codon 88 of the TINF2 protein (p.Pro88Thr). The proline residue is highly conserved and there is a small physicochemical difference between proline and threonine.

Genetic Services Laboratory, University of Chicago
Classification: Uncertain significance. Last evaluated: 2022-08-23. Review status: no assertion criteria provided. Collection method: clinical testing. Allele origin: germline. Affected: no. Not counted in ClinVar's aggregate classification.
Comment: DNA sequence analysis of the TINF2 gene demonstrated a sequence change, c.262C>A, in exon 2 that results in an amino acid change, p.Pro88Thr. This sequence change does not appear to have been previously described in individuals with TINF2-related disorders and has also not been described in population databases such as ExAC and gnomAD. The p.Pro88Thr change affects a highly conserved amino acid residue located in a domain of the TINF2 protein that is not known to be functional. In-silico pathogenicity prediction tools (SIFT, PolyPhen2, Align GVGD, REVEL) provide contradictory results for the p.Pro88Thr substitution. Due to insufficient evidences and the lack of functional studies, the clinical significance of the p.Pro88Thr change remains unknown at this time.

NM_001099274.3(TINF2):c.262C>A (p.Pro88Thr)

Gene: TINF2 (TERF1 interacting nuclear factor 2; minus strand). Cytogenetic location: 14q12.
Variant type: single nucleotide variant.
Coding change: c.262C>A on transcript NM_001099274.3 (MANE Select); coding-DNA position 262, C replaced by A.
Protein change: p.Pro88Thr; replaces proline 88 with threonine.
Molecular consequence: missense variant. On other transcripts: intron variant (1).
Genome position (GRCh38, 1-based): chr14:24,241,925, G>T on the plus strand (C>A on the coding strand, the complement: TINF2 is on the minus strand). VCF-style: chr14-24241925-G-T. GRCh37 (hg19) VCF-style: chr14-24711131-G-T.
Other names: p.Pro88Thr; c.262C>A, p.Pro88Thr (NM_012461.3); c.193-149C>A (NM_001363668.2); c.262C>A (NM_001099274.1); short protein forms P88T.
Identifiers: ClinVar variation 1504145 (VCV001504145.8), dbSNP rs2139002944, ClinGen allele CA389233906.